The following is an entry in ClinVar:

ClinVar aggregate classification (germline): Uncertain significance (1 of 4 stars; one submission).

Conditions:
Severe combined immunodeficiency due to DNA-PKcs deficiency. Also called: Immunodeficiency 26 with or without neurologic abnormalities; IMMUNODEFICIENCY 26 WITH NEUROLOGIC ABNORMALITIES. Identifiers: Orphanet 317425, MedGen C4014833, MONDO:0014423, OMIM 615966.

Submission:

Labcorp Genetics (formerly Invitae), Labcorp
Classification: Uncertain significance for Severe combined immunodeficiency due to DNA-PKcs deficiency. Last evaluated: 2022-03-20. Review status: criteria provided, single submitter. Criteria: Invitae Variant Classification Sherloc (09022015). Collection method: clinical testing. Allele origin: germline.
Comment: This variant has not been reported in the literature in individuals affected with PRKDC-related conditions. This sequence change replaces lysine, which is basic and polar, with threonine, which is neutral and polar, at codon 4023 of the PRKDC protein (p.Lys4023Thr). This variant is not present in population databases (gnomAD no frequency). Experimental studies and prediction algorithms are not available or were not evaluated, and the functional significance of this variant is currently unknown. In summary, the available evidence is currently insufficient to determine the role of this variant in disease. Therefore, it has been classified as a Variant of Uncertain Significance.

NM_006904.7(PRKDC):c.12068A>C (p.Lys4023Thr)

Gene: PRKDC (protein kinase, DNA-activated, catalytic subunit; minus strand). Cytogenetic location: 8q11.21.
Variant type: single nucleotide variant.
Coding change: c.12068A>C on transcript NM_006904.7 (MANE Select); coding-DNA position 12068, A replaced by C.
Protein change: p.Lys4023Thr; replaces lysine 4023 with threonine.
Molecular consequence: missense variant.
Genome position (GRCh38, 1-based): chr8:47,776,958, T>G on the plus strand (A>C on the coding strand, the complement: PRKDC is on the minus strand). VCF-style: chr8-47776958-T-G. GRCh37 (hg19) VCF-style: chr8-48689519-T-G.
Other names: c.11975A>C, p.Lys3992Thr (NM_001081640.2); short protein forms K3992T, K4023T.
Identifiers: ClinVar variation 2115037 (VCV002115037.4), dbSNP rs2551859529, ClinGen allele CA371127268.